The following is an entry in ClinVar:

ClinVar aggregate classification (germline): Uncertain significance (1 of 4 stars; one submission).

Submission:

Women's Health and Genetics/Laboratory Corporation of America, LabCorp
Classification: Uncertain significance. Last evaluated: 2024-03-25. Review status: criteria provided, single submitter. Criteria: LabCorp Variant Classification Summary - May 2015. Collection method: clinical testing. Allele origin: germline.
Comment: Variant summary: MYH2 c.2963T>C (p.Met988Thr) results in a non-conservative amino acid change located in the Myosin tail (IPR0029298) of the encoded protein sequence. Four of five in-silico tools predict a damaging effect of the variant on protein function. The variant was absent in 251434 control chromosomes. The available data on variant occurrences in the general population are insufficient to allow any conclusion about variant significance. To our knowledge, no occurrence of c.2963T>C in individuals affected with Myopathy, Proximal, And Ophthalmoplegia and no experimental evidence demonstrating its impact on protein function have been reported. No submitters have cited clinical-significance assessments for this variant to ClinVar. Based on the evidence outlined above, the variant was classified as uncertain significance.

NM_017534.6(MYH2):c.2963T>C (p.Met988Thr)

Genes: MYH2 (myosin heavy chain 2; minus strand), MYHAS (myosin heavy chain gene cluster antisense RNA; plus strand). Cytogenetic location: 17p13.1.
Variant type: single nucleotide variant.
Coding change: c.2963T>C on transcript NM_017534.6 (MANE Select); coding-DNA position 2963, T replaced by C.
Protein change: p.Met988Thr; replaces methionine 988 with threonine.
Molecular consequence: missense variant.
Genome position (GRCh38, 1-based): chr17:10,529,718, A>G on the plus strand (T>C on the coding strand, the complement: MYH2 is on the minus strand). VCF-style: chr17-10529718-A-G. GRCh37 (hg19) VCF-style: chr17-10433035-A-G.
Other names: c.2963T>C, p.Met988Thr (NM_001100112.2); short protein forms M988T.
Identifiers: ClinVar variation 3233776 (VCV003233776.2), dbSNP rs749824406, ClinGen allele CA398140744.
Genomic context (GRCh38, chr17:10,529,718, plus strand): 5'-GCCTCCTGGAGAGCCTTCTTCTCCTTGGTCAGCTTAGCAATGGTTTCATCCAGACCTGCC[A>G]TCTCTTCTGTGAGGTTTTTCACCTACAAAGGTGAAGAAAGCAGTTTAGTTGCTATAAAGC-3'
Protein context (NP_060004.3, residues 978-998): ENKVKNLTEE[Met988Thr]AGLDETIAKL